The following is an entry in ClinVar:

NM_002087.4(GRN):c.1180-3C>T

Gene: GRN (granulin precursor; plus strand). Cytogenetic location: 17q21.31.
Variant type: single nucleotide variant.
Coding change: c.1180-3C>T on transcript NM_002087.4 (MANE Select); 3 bases into the intron before coding-DNA position 1180, C replaced by T.
Molecular consequence: intron variant.
Genome position (GRCh38, 1-based): chr17:44,352,012, C>T. VCF-style: chr17-44352012-C-T. GRCh37 (hg19) VCF-style: chr17-42429380-C-T.
Identifiers: ClinVar variation 589242 (VCV000589242.12), dbSNP rs368307425, ClinGen allele CA8602140.

ClinVar aggregate classification (germline): Conflicting classifications of pathogenicity. Review status: criteria provided, conflicting classifications (1 of 4 stars). 3 submissions from 3 submitters: Uncertain significance (2); Benign (1). Last evaluated 2026-01-05.

Conditions:
Inborn genetic diseases. Identifiers: MedGen C0950123, MeSH D030342.
Neuronal ceroid lipofuscinosis 11. Also called: GRN-Related Neuronal Ceroid-Lipofuscinosis. Identifiers: Orphanet 314629, Orphanet 79262, MedGen C3539123, MONDO:0013866, OMIM 614706.
GRN-related frontotemporal lobar degeneration with Tdp43 inclusions (FTD2). Also called: GRN Frontotemporal Dementia; FRONTOTEMPORAL DEMENTIA WITH TDP43 INCLUSIONS, GRN-RELATED; DEMENTIA, HEREDITARY DYSPHASIC DISINHIBITION; FRONTOTEMPORAL LOBAR DEGENERATION WITH UBIQUITIN-POSITIVE INCLUSIONS; FTLD-TDP, GRN-RELATED. Identifiers: Orphanet 100070, Orphanet 282, MedGen C1843792, MONDO:0011842, OMIM 607485. Disease mechanism: loss of function.

Allele frequency attached by ClinVar (database versions not stated): ExAC 0.00007; gnomAD exomes 0.00008; gnomAD 0.00032 and 0.00036; TOPMed 0.00036; ESP Exome Variant Server 0.00054.
gnomAD v4.1: 97 of 1,610,714 alleles (0.006%); highest among the groups gnomAD compares: African/African-American, 0.12%; 1 homozygote.

Submissions (3):

Labcorp Genetics (formerly Invitae), Labcorp
Classification: Uncertain significance for Neuronal ceroid lipofuscinosis 11; GRN-related frontotemporal lobar degeneration with Tdp43 inclusions. Last evaluated: 2026-01-05. Review status: criteria provided, single submitter. Criteria: Invitae Variant Classification Sherloc (09022015). Collection method: clinical testing. Allele origin: germline.
Comment: This sequence change falls in intron 10 of the GRN gene. It does not directly change the encoded amino acid sequence of the GRN protein. It affects a nucleotide within the consensus splice site. This variant is present in population databases (rs368307425, gnomAD 0.1%). This variant has not been reported in the literature in individuals affected with GRN-related conditions. ClinVar contains an entry for this variant (Variation ID: 589242). Variants that disrupt the consensus splice site are a relatively common cause of aberrant splicing (PMID: 17576681, 9536098). Algorithms developed to predict the effect of sequence changes on RNA splicing suggest that this variant is not likely to affect RNA splicing. In summary, the available evidence is currently insufficient to determine the role of this variant in disease. Therefore, it has been classified as a Variant of Uncertain Significance.

Women's Health and Genetics/Laboratory Corporation of America, LabCorp
Classification: Benign. Last evaluated: 2025-09-26. Review status: criteria provided, single submitter. Criteria: LabCorp Variant Classification Summary - May 2015. Collection method: clinical testing. Allele origin: germline.
Comment: Variant summary: GRN c.1180-3C>T alters a nucleotide located close to a canonical splice site and therefore could affect mRNA splicing, leading to a significantly altered protein sequence. Consensus agreement among computation tools predict no significant impact on normal splicing. However, these predictions have yet to be confirmed by functional studies. The variant allele was found at a frequency of 7.6e-05 in 248764 control chromosomes, predominantly at a frequency of 0.0012 within the African or African-American subpopulation in the gnomAD database. The observed variant frequency within African or African-American control individuals in the gnomAD database exceeds the estimated maximal expected allele frequency for disease-causing variants in GRN. To our knowledge, no occurrence of c.1180-3C>T in individuals affected with GRN-related conditions and no experimental evidence demonstrating its impact on protein function have been reported. ClinVar contains an entry for this variant (Variation ID: 589242). Based on the evidence outlined above, the variant was classified as benign.

Ambry Genetics
Classification: Uncertain significance for Inborn genetic diseases. Last evaluated: 2022-07-08. Review status: criteria provided, single submitter. Criteria: Ambry Variant Classification Scheme 2023. Collection method: clinical testing. Allele origin: germline.
Comment: Unlikely to be causative of GRN-related frontotemporal dementia (AD) Based on insufficient or conflicting evidence, the clinical significance of this alteration remains unclear.

Literature cited by the submitters: PubMed 17576681 (cited by Labcorp Genetics (formerly Invitae), Labcorp); PubMed 9536098 (cited by Labcorp Genetics (formerly Invitae), Labcorp).